The following is an entry in ClinVar:

NM_000742.4(CHRNA2):c.150G>T (p.Pro50=)

Gene: CHRNA2 (cholinergic receptor nicotinic alpha 2 subunit; minus strand). Cytogenetic location: 8p21.2.
Variant type: single nucleotide variant.
Coding change: c.150G>T on transcript NM_000742.4 (MANE Select); coding-DNA position 150, G replaced by T.
Protein change: p.Pro50=; no amino-acid change (proline 50 retained).
Molecular consequence: synonymous variant. On other transcripts: 5 prime UTR variant (4).
Genome position (GRCh38, 1-based): chr8:27,469,905, C>A on the plus strand (G>T on the coding strand, the complement: CHRNA2 is on the minus strand). VCF-style: chr8-27469905-C-A. GRCh37 (hg19) VCF-style: chr8-27327422-C-A.
Other names: c.150G>T, p.Pro50= (NM_001282455.2); c.-278G>T (NM_001347705.2); c.-323G>T (NM_001347706.2); c.-264G>T (NM_001347707.2); c.-312G>T (NM_001347708.2).
Identifiers: ClinVar variation 387584 (VCV000387584.10), dbSNP rs758848783, ClinGen allele CA4689781.

ClinVar aggregate classification (germline): Likely benign. Review status: criteria provided, multiple submitters, no conflicts (2 of 4 stars). 2 submissions from 2 submitters: Likely benign (2). Last evaluated 2025-02-24.

Conditions:
Familial sleep-related hypermotor epilepsy. Also called: Autosomal Dominant Sleep-Related Hypermotor (Hyperkinetic) Epilepsy. Identifiers: Orphanet 98784, MedGen C3696898, MONDO:0000030.

gnomAD v4.1: 7 of 1,614,026 alleles (0.00043%); highest among the groups gnomAD compares: Admixed American, 0.005%; no homozygotes.

Submissions (2):

Labcorp Genetics (formerly Invitae), Labcorp
Classification: Likely benign. Last evaluated: 2025-02-24. Review status: criteria provided, single submitter. Criteria: Invitae Variant Classification Sherloc (09022015). Collection method: clinical testing. Allele origin: germline.

GeneDx
Classification: Likely benign. Last evaluated: 2016-07-08. Review status: criteria provided, single submitter. Criteria: GeneDx Variant Classification (06012015). Collection method: clinical testing. Allele origin: germline. Affected: yes.
Comment: This variant is considered likely benign or benign based on one or more of the following criteria: it is a conservative change, it occurs at a poorly conserved position in the protein, it is predicted to be benign by multiple in silico algorithms, and/or has population frequency not consistent with disease.